The following is an entry in ClinVar:

ClinVar aggregate classification (germline): Uncertain significance (1 of 4 stars; one submission).

Conditions:
Complement component 3 deficiency. Identifiers: Orphanet 280133, MedGen C3151071, MONDO:0013417, OMIM 613779.
C3 glomerulonephritis. Also called: Nephropathy due to CFHR5 Deficiency; C3 GLOMERULOPATHY 3. Identifiers: Orphanet 329931, MedGen C4055342, MONDO:0013892, OMIM 614809.
Atypical hemolytic-uremic syndrome. Identifiers: Orphanet 2134, MedGen C2931788, MONDO:0016244.

Submission:

Genomenon, Inc
Classification: Uncertain significance for Complement component 3 deficiency; C3 glomerulonephritis; Atypical hemolytic-uremic syndrome. Last evaluated: 2025-09-30. Review status: criteria provided, single submitter. Criteria: Genomenon Sequence Variant Interpretation Standards. Collection method: curation. Allele origin: germline. Affected: no.
Comment: C3 p.Glu1153Ala (c.3458A>C) is a missense variant that changes the amino acid at residue 1153 from Glutamic acid to Alanine. This variant has been reported in the published literature (PMID:20951140;11034390;20083651;27814381;20091675;25628052;17434528;21317894). It is absent or not present at a significant frequency in gnomAD. In conclusion, we classify C3 p.Glu1153Ala (c.3458A>C) as a variant of unknown significance.

Literature cited by the submitters: PubMed 20951140; PubMed 11034390; PubMed 20083651; PubMed 27814381; PubMed 20091675; PubMed 25628052; PubMed 17434528; PubMed 21317894.

NM_000064.4(C3):c.3458A>C (p.Glu1153Ala)

Gene: C3 (complement C3; minus strand). Cytogenetic location: 19p13.3.
Variant type: single nucleotide variant.
Coding change: c.3458A>C on transcript NM_000064.4 (MANE Select); coding-DNA position 3458, A replaced by C.
Protein change: p.Glu1153Ala; replaces glutamic acid 1153 with alanine.
Molecular consequence: missense variant.
Genome position (GRCh38, 1-based): chr19:6,690,660, T>G on the plus strand (A>C on the coding strand, the complement: C3 is on the minus strand). VCF-style: chr19-6690660-T-G. GRCh37 (hg19) VCF-style: chr19-6690671-T-G.
Other names: short protein forms E1153A.
Identifiers: ClinVar variation 4280208 (VCV004280208.1).